The following is an entry in ClinVar:

ClinVar aggregate classification (germline): Pathogenic. Review status: reviewed by expert panel (3 of 4 stars). 4 submissions from 4 submitters: Pathogenic (1). 3 of the submissions do not count toward it. Last evaluated 2016-10-18.

Conditions:
Hereditary cancer-predisposing syndrome. Also called: Neoplastic Syndromes, Hereditary; Tumor predisposition; Hereditary neoplastic syndrome; Hereditary Cancer Syndrome. Identifiers: Orphanet 140162, MedGen C0027672, MeSH D009386, MONDO:0015356.
Hereditary breast ovarian cancer syndrome. Also called: Hereditary breast and ovarian cancer syndrome; Hereditary breast and ovarian cancer; Hereditary breast and ovarian cancer syndrome (HBOC); Breast and ovarian cancer; Hereditary breast and/or ovarian cancer syndrome; BRCA1- and BRCA2-Associated Hereditary Breast and Ovarian Cancer. Identifiers: Orphanet 145, MedGen C0677776, MeSH D061325, MONDO:0003582. Disease mechanism: loss of function.
Breast-ovarian cancer, familial, susceptibility to, 2 (BROVCA2). Also called: BRCA2 Hereditary Breast and Ovarian Cancer. Identifiers: Orphanet 145, MedGen C2675520, MONDO:0012933, OMIM 612555. Disease mechanism: loss of function.

Submissions (4):

Evidence-based Network for the Interpretation of Germline Mutant Alleles (ENIGMA)
Classification: Pathogenic for Breast-ovarian cancer, familial, susceptibility to, 2. Last evaluated: 2016-10-18. Review status: reviewed by expert panel. Criteria: ENIGMA BRCA1/2 Classification Criteria (2015). Collection method: curation. Allele origin: germline.
Comment: Variant allele predicted to encode a truncated non-functional protein.

Ambry Genetics
Classification: Pathogenic for Hereditary cancer-predisposing syndrome. Last evaluated: 2024-04-19. Review status: criteria provided, single submitter. Criteria: Ambry Variant Classification Scheme 2023. Collection method: clinical testing. Allele origin: germline. Not counted in ClinVar's aggregate classification.
Comment: The c.9393delC pathogenic mutation, located in coding exon 24 of the BRCA2 gene, results from a deletion of one nucleotide at nucleotide position 9393, causing a translational frameshift with a predicted alternate stop codon (p.K3132Nfs*31). This alteration was identified in 1/651 Chinese high-risk breast and/or ovarian cancer patients (Kwong A et al. PLoS One, 2012 Sep;7:e43994). In addition to the clinical data presented in the literature, this alteration is expected to result in loss of function by premature protein truncation or nonsense-mediated mRNA decay. As such, this alteration is interpreted as a disease-causing mutation.

Consortium of Investigators of Modifiers of BRCA1/2 (CIMBA), c/o University of Cambridge
Classification: Pathogenic for Breast-ovarian cancer, familial, susceptibility to, 2. Last evaluated: 2015-10-02. Review status: criteria provided, single submitter. Criteria: CIMBA Mutation Classification guidelines May 2016. Collection method: clinical testing. Allele origin: germline. Not counted in ClinVar's aggregate classification.

Research Molecular Genetics Laboratory, Women's College Hospital, University of Toronto
Classification: Pathogenic for Hereditary breast ovarian cancer syndrome. Last evaluated: 2014-01-31. Review status: no assertion criteria provided. Collection method: research. Allele origin: germline. Affected: yes. Study: The Canadian Open Genetics Repository (COGR). Not counted in ClinVar's aggregate classification.

Literature cited by the submitters: PubMed 22970155 (cited by Ambry Genetics).

NM_000059.4(BRCA2):c.9393del (p.Lys3132fs)

Gene: BRCA2 (BRCA2 DNA repair associated; plus strand). Cytogenetic location: 13q13.1.
Variant type: Deletion.
Coding change: c.9393del on transcript NM_000059.4 (MANE Select); coding-DNA position 9393, one base deleted (C; older notation c.9393delC).
Protein change: p.Lys3132fs; shifts the reading frame from lysine 3132.
Molecular consequence: frameshift variant.
Genome position (GRCh38, 1-based): chr13:32,394,825, C deleted; the last of 2 consecutive C bases (chr13:32,394,824-32,394,825); deleting either gives the same sequence. VCF-style (leftmost placement, unchanged base first): chr13-32394823-TC-T. GRCh37 (hg19) VCF-style: chr13-32968960-TC-T.
Other names: 9621delC; c.9393delC (NM_000059.3).
Identifiers: ClinVar variation 52828 (VCV000052828.8), dbSNP rs397508049, ClinGen allele CA026135.